The following is an entry in ClinVar:

NM_001845.6(COL4A1):c.1838C>G (p.Pro613Arg)

Gene: COL4A1 (collagen type IV alpha 1 chain; minus strand). Cytogenetic location: 13q34.
Variant type: single nucleotide variant.
Coding change: c.1838C>G on transcript NM_001845.6 (MANE Select); coding-DNA position 1838, C replaced by G.
Protein change: p.Pro613Arg; replaces proline 613 with arginine.
Molecular consequence: missense variant.
Genome position (GRCh38, 1-based): chr13:110,186,444, G>C on the plus strand (C>G on the coding strand, the complement: COL4A1 is on the minus strand). VCF-style: chr13-110186444-G-C. GRCh37 (hg19) VCF-style: chr13-110838791-G-C.
Other names: short protein forms P613R.
Identifiers: ClinVar variation 447159 (VCV000447159.18), dbSNP rs146091004, ClinGen allele CA7047817.

ClinVar aggregate classification (germline): Conflicting classifications of pathogenicity. Review status: criteria provided, conflicting classifications (1 of 4 stars). 5 submissions from 4 submitters: Uncertain significance (2); Likely benign (3). Last evaluated 2025-08-24.

Conditions:
Brain small vessel disease 1 with or without ocular anomalies (BSVD1). Also called: GOULD SYNDROME 1; PORENCEPHALY, TYPE 1, AUTOSOMAL DOMINANT; BRAIN SMALL VESSEL DISEASE WITH HEMORRHAGE; Brain small vessel disease with or without ocular anomalies. Identifiers: Orphanet 2940, Orphanet 36383, Orphanet 99810, MedGen C4755307, MONDO:0008289, OMIM 175780.
Autosomal dominant familial hematuria-retinal arteriolar tortuosity-contractures syndrome. Also called: Angiopathy, hereditary, with nephropathy, aneurysms, and muscle cramps; Hereditary Angiopathy with Nephropathy, Aneurysms, and Muscle Cramps (HANAC) Syndrome. Identifiers: Orphanet 73229, MedGen C2673195, MONDO:0012726, OMIM 611773.

Allele frequency attached by ClinVar (database versions not stated): ESP Exome Variant Server 0.00015; TOPMed 0.00002; ExAC 0.00004.
gnomAD v4.1: 99 of 1,613,634 alleles (0.0061%); highest among the groups gnomAD compares: Non-Finnish European, 0.0079%; no homozygotes.

Submissions (5):

Labcorp Genetics (formerly Invitae), Labcorp
Classification: Uncertain significance. Last evaluated: 2025-08-24. Review status: criteria provided, single submitter. Criteria: Invitae Variant Classification Sherloc (09022015). Collection method: clinical testing. Allele origin: germline.
Comment: This sequence change replaces proline, which is neutral and non-polar, with arginine, which is basic and polar, at codon 613 of the COL4A1 protein (p.Pro613Arg). This variant is present in population databases (rs146091004, gnomAD 0.006%). This variant has not been reported in the literature in individuals affected with COL4A1-related conditions. ClinVar contains an entry for this variant (Variation ID: 447159). Invitae Evidence Modeling of protein sequence and biophysical properties (such as structural, functional, and spatial information, amino acid conservation, physicochemical variation, residue mobility, and thermodynamic stability) indicates that this missense variant is not expected to disrupt COL4A1 protein function with a negative predictive value of 95%. In summary, the available evidence is currently insufficient to determine the role of this variant in disease. Therefore, it has been classified as a Variant of Uncertain Significance.

GeneDx
Classification: Likely benign. Last evaluated: 2025-04-29. Review status: criteria provided, single submitter. Criteria: GeneDx Variant Classification Process June 2021. Collection method: clinical testing. Allele origin: germline.
Comment: See Variant Classification Assertion Criteria.

Illumina Laboratory Services, Illumina
Classification: Likely benign for Autosomal dominant familial hematuria-retinal arteriolar tortuosity-contractures syndrome. Last evaluated: 2018-03-06. Review status: criteria provided, single submitter. Criteria: ICSL Variant Classification Criteria 13 December 2019. Collection method: clinical testing. Allele origin: germline.
Comment: This variant was observed in the ICSL laboratory as part of a predisposition screen in an ostensibly healthy population. It had not been previously curated by ICSL or reported in the Human Gene Mutation Database (HGMD: prior to June 1st, 2018), and was therefore a candidate for classification through an automated scoring system. Utilizing variant allele frequency, disease prevalence and penetrance estimates, and inheritance mode, an automated score was calculated to assess if this variant is too frequent to cause the disease. Based on the score and internal cut-off values, a variant classified as likely benign is not then subjected to further curation. The score for this variant resulted in a classification of likely benign for this disease.

Illumina Laboratory Services, Illumina
Classification: Likely benign for Brain small vessel disease 1 with or without ocular anomalies. Last evaluated: 2018-03-06. Review status: criteria provided, single submitter. Criteria: ICSL Variant Classification Criteria 13 December 2019. Collection method: clinical testing. Allele origin: germline.
Comment: the same text as in the submission from Illumina Laboratory Services, Illumina above.

Athena Diagnostics
Classification: Uncertain significance. Last evaluated: 2017-07-12. Review status: criteria provided, single submitter. Criteria: Athena Diagnostics Criteria. Collection method: clinical testing. Allele origin: germline.